The following is an entry in ClinVar:

ClinVar aggregate classification (germline): Uncertain significance (1 of 4 stars; one submission).

Submission:

Labcorp Genetics (formerly Invitae), Labcorp
Classification: Uncertain significance. Last evaluated: 2023-12-07. Review status: criteria provided, single submitter. Criteria: Invitae Variant Classification Sherloc (09022015). Collection method: clinical testing. Allele origin: germline.
Comment: This sequence change replaces serine, which is neutral and polar, with arginine, which is basic and polar, at codon 1058 of the ERCC6L2 protein (p.Ser1058Arg). This variant is not present in population databases (gnomAD no frequency). This variant has not been reported in the literature in individuals affected with ERCC6L2-related conditions. Experimental studies and prediction algorithms are not available or were not evaluated, and the functional significance of this variant is currently unknown. In summary, the available evidence is currently insufficient to determine the role of this variant in disease. Therefore, it has been classified as a Variant of Uncertain Significance.

NM_020207.7(ERCC6L2):c.3141T>A (p.Ser1047Arg)

Gene: ERCC6L2 (ERCC excision repair 6 like 2; plus strand). Cytogenetic location: 9q22.32.
Variant type: single nucleotide variant.
Coding change: c.3141T>A on transcript NM_020207.7 (MANE Select); coding-DNA position 3141, T replaced by A.
Protein change: p.Ser1047Arg; replaces serine 1047 with arginine.
Molecular consequence: missense variant. On other transcripts: non-coding transcript variant (1).
Genome position (GRCh38, 1-based): chr9:95,972,892, T>A. VCF-style: chr9-95972892-T-A. GRCh37 (hg19) VCF-style: chr9-98735174-T-A.
Other names: c.3141T>A, p.Ser1047Arg (NM_001375291.1, NM_001375292.1, NM_001375293.1 and 1 more transcripts); short protein forms S1047R.
Identifiers: ClinVar variation 2807528 (VCV002807528.2), dbSNP rs2490559915, ClinGen allele CA2739264854.
Genomic context (GRCh38, chr9:95,972,892, plus strand): 5'-TGCAGCAAATGAGGATCATAACTCTCAGTTTATTGATGATTATTCATCCTCAGATGAGAG[T>A]TTATCCGTCAGCCACTTCAGTTTCTCTAAACAGAGCCACAGACCAAGAACTATAAGAGAC-3'
Protein context (NP_064592.3, residues 1037-1057): FIDDYSSSDE[Ser1047Arg]LSVSHFSFSK